The following is an entry in ClinVar:

ClinVar aggregate classification (germline): Pathogenic (3 of 4 stars; one submission).

Conditions:
Breast-ovarian cancer, familial, susceptibility to, 2 (BROVCA2). Also called: BRCA2 Hereditary Breast and Ovarian Cancer. Identifiers: Orphanet 145, MedGen C2675520, MONDO:0012933, OMIM 612555. Disease mechanism: loss of function.

Submission:

Evidence-based Network for the Interpretation of Germline Mutant Alleles (ENIGMA)
Classification: Pathogenic for Breast-ovarian cancer, familial, susceptibility to, 2. Last evaluated: 2017-12-15. Review status: reviewed by expert panel. Criteria: ENIGMA BRCA1/2 Classification Criteria (2017-06-29). Collection method: curation. Allele origin: germline. Study: ENIGMA.
Comment: Variant allele predicted to encode a truncated non-functional protein.

NM_000059.4(BRCA2):c.3345_3346dup (p.Thr1116fs)

Gene: BRCA2 (BRCA2 DNA repair associated; plus strand). Cytogenetic location: 13q13.1.
Variant type: Duplication.
Coding change: c.3345_3346dup on transcript NM_000059.4 (MANE Select); coding-DNA positions 3345 to 3346, 2 bases duplicated (TA; older notation c.3345_3346dupTA).
Protein change: p.Thr1116fs; shifts the reading frame from threonine 1116.
Molecular consequence: frameshift variant.
Genome position (GRCh38, 1-based): chr13:32,337,700-32,337,701, TA duplicated. VCF-style (leftmost placement, unchanged base first): chr13-32337699-C-CTA. GRCh37 (hg19) VCF-style: chr13-32911836-C-CTA.
Other names: c.3345_3346dupTA (NM_000059.3); short protein forms T1116fs.
Identifiers: ClinVar variation 548364 (VCV000548364.1), dbSNP rs1555283186, ClinGen allele CA658823662.